The following is an entry in ClinVar:

NM_001134407.3(GRIN2A):c.1946T>C (p.Leu649Pro)

Gene: GRIN2A (glutamate ionotropic receptor NMDA type subunit 2A; minus strand). Cytogenetic location: 16p13.2.
Variant type: single nucleotide variant.
Coding change: c.1946T>C on transcript NM_001134407.3 (MANE Select); coding-DNA position 1946, T replaced by C.
Protein change: p.Leu649Pro; replaces leucine 649 with proline.
Molecular consequence: missense variant.
Genome position (GRCh38, 1-based): chr16:9,829,484, A>G on the plus strand (T>C on the coding strand, the complement: GRIN2A is on the minus strand). VCF-style: chr16-9829484-A-G. GRCh37 (hg19) VCF-style: chr16-9923341-A-G.
Other names: c.1946T>C, p.Leu649Pro (NM_000833.5, NM_001134408.2); short protein forms L649P.
Identifiers: ClinVar variation 4884153 (VCV004884153.2).

ClinVar aggregate classification (germline): Likely pathogenic (1 of 4 stars; one submission).

Submission:

Dasa
Classification: Likely pathogenic. Last evaluated: 2025-04-17. Review status: criteria provided, single submitter. Criteria: DASA Assertion Criteria. Collection method: clinical testing. Allele origin: germline.
Comment: NM_001134407.3(GRIN2A):c.1946T>C (p.Leu649Pro) is a missense variant that results in the substitution of leucine with proline. The affected residue or protein region has prior evidence supporting clinical relevance. This variant is absent from population databases. Computational evidence supports a deleterious effect. Based on the currently available evidence, this variant is classified as likely pathogenic.